The following is an entry in ClinVar:

ClinVar aggregate classification (germline): Uncertain significance (1 of 4 stars; one submission).

Conditions:
Compton-North congenital myopathy (CMYO12). Identifiers: Orphanet 210163, MedGen C2675527, MONDO:0012929, OMIM 612540.

Allele frequency attached by ClinVar (database versions not stated): gnomAD exomes below 0.00001.
gnomAD v4.1: 1 of 1,613,982 alleles (0.000062%); highest among the groups gnomAD compares: Non-Finnish European, 0.000085%; no homozygotes.

Submission:

Labcorp Genetics (formerly Invitae), Labcorp
Classification: Uncertain significance for Compton-North congenital myopathy. Last evaluated: 2022-08-02. Review status: criteria provided, single submitter. Criteria: Invitae Variant Classification Sherloc (09022015). Collection method: clinical testing. Allele origin: germline.
Comment: In summary, the available evidence is currently insufficient to determine the role of this variant in disease. Therefore, it has been classified as a Variant of Uncertain Significance. This sequence change replaces glycine, which is neutral and non-polar, with aspartic acid, which is acidic and polar, at codon 715 of the CNTN1 protein (p.Gly715Asp). This variant is not present in population databases (gnomAD no frequency). This variant has not been reported in the literature in individuals affected with CNTN1-related conditions. Advanced modeling of protein sequence and biophysical properties (such as structural, functional, and spatial information, amino acid conservation, physicochemical variation, residue mobility, and thermodynamic stability) performed at Invitae indicates that this missense variant is not expected to disrupt CNTN1 protein function.

NM_001843.4(CNTN1):c.2144G>A (p.Gly715Asp)

Gene: CNTN1 (contactin 1; plus strand). Cytogenetic location: 12q12.
Variant type: single nucleotide variant.
Coding change: c.2144G>A on transcript NM_001843.4 (MANE Select); coding-DNA position 2144, G replaced by A.
Protein change: p.Gly715Asp; replaces glycine 715 with aspartic acid.
Molecular consequence: missense variant.
Genome position (GRCh38, 1-based): chr12:41,014,258, G>A. VCF-style: chr12-41014258-G-A. GRCh37 (hg19) VCF-style: chr12-41408060-G-A.
Other names: c.2111G>A, p.Gly704Asp (NM_175038.2); short protein forms G704D, G715D.
Identifiers: ClinVar variation 1714821 (VCV001714821.6), dbSNP rs2499710827, ClinGen allele CA384586496.